The following is an entry in ClinVar:

NM_025219.3(DNAJC5):c.255C>T (p.Tyr85=)

Gene: DNAJC5 (DnaJ heat shock protein family (Hsp40) member C5; plus strand). Cytogenetic location: 20q13.33.
Variant type: single nucleotide variant.
Coding change: c.255C>T on transcript NM_025219.3 (MANE Select); coding-DNA position 255, C replaced by T.
Protein change: p.Tyr85=; no amino-acid change (tyrosine 85 retained).
Molecular consequence: synonymous variant.
Genome position (GRCh38, 1-based): chr20:63,929,459, C>T. VCF-style: chr20-63929459-C-T. GRCh37 (hg19) VCF-style: chr20-62560812-C-T.
Identifiers: ClinVar variation 384180 (VCV000384180.11), dbSNP rs749077830, ClinGen allele CA9969683.

ClinVar aggregate classification (germline): Likely benign. Review status: criteria provided, multiple submitters, no conflicts (2 of 4 stars). 4 submissions from 4 submitters: Likely benign (3). 1 of the submissions does not count toward it. Last evaluated 2025-08-30.

Conditions:
DNAJC5-related disorder. Also called: DNAJC5-related condition.
Neuronal ceroid lipofuscinosis. Also called: Neuronal Ceroid Lipofuscinoses. Identifiers: Orphanet 216, Orphanet 79263, MedGen C0027877, MONDO:0016295. Disease mechanism: loss of function.

Allele frequency attached by ClinVar (database versions not stated): ExAC 0.00002; gnomAD exomes 0.00002; gnomAD 0.00003; TOPMed 0.00003.
gnomAD v4.1: 37 of 1,614,044 alleles (0.0023%); highest among the groups gnomAD compares: East Asian, 0.0089%; no homozygotes.

Submissions (4):

Labcorp Genetics (formerly Invitae), Labcorp
Classification: Likely benign for Neuronal ceroid lipofuscinosis. Last evaluated: 2025-08-30. Review status: criteria provided, single submitter. Criteria: Invitae Variant Classification Sherloc (09022015). Collection method: clinical testing. Allele origin: germline.

Blueprint Genetics
Classification: Likely benign. Last evaluated: 2023-05-10. Review status: criteria provided, single submitter. Criteria: ACMG Guidelines, 2015. Collection method: clinical testing. Allele origin: germline.

GeneDx
Classification: Likely benign. Last evaluated: 2016-02-25. Review status: criteria provided, single submitter. Criteria: GeneDx Variant Classification (06012015). Collection method: clinical testing. Allele origin: germline. Affected: yes.
Comment: This variant is considered likely benign or benign based on one or more of the following criteria: it is a conservative change, it occurs at a poorly conserved position in the protein, it is predicted to be benign by multiple in silico algorithms, and/or has population frequency not consistent with disease.

PreventionGenetics, part of Exact Sciences
Classification: Likely benign for DNAJC5-related condition. Last evaluated: 2023-05-25. Review status: no assertion criteria provided. Collection method: clinical testing. Allele origin: germline. Not counted in ClinVar's aggregate classification.
Comment: This variant is classified as likely benign based on ACMG/AMP sequence variant interpretation guidelines (Richards et al. 2015 PMID: 25741868, with internal and published modifications).